The following is an entry in ClinVar:

NM_001458.5(FLNC):c.1636G>A (p.Val546Met)

Gene: FLNC (filamin C; plus strand). Cytogenetic location: 7q32.1.
Variant type: single nucleotide variant.
Coding change: c.1636G>A on transcript NM_001458.5 (MANE Select); coding-DNA position 1636, G replaced by A.
Protein change: p.Val546Met; replaces valine 546 with methionine.
Molecular consequence: missense variant.
Genome position (GRCh38, 1-based): chr7:128,840,634, G>A. VCF-style: chr7-128840634-G-A. GRCh37 (hg19) VCF-style: chr7-128480688-G-A.
Other names: c.1636G>A, p.Val546Met (NM_001127487.2); short protein forms V546M.
Identifiers: ClinVar variation 4258265 (VCV004258265.1).
Genomic context (GRCh38, chr7:128,840,634, plus strand): 5'-CGGGAGGCTGGGGATGGTGTGTTCGAGTGCGAGTACTACCCGGTGGTGCCTGGGAAGTAT[G>A]TGGTGACCATCACGTGGGGCGGCTACGCCATCCCTCGCAGGTGAGTACCTTGCGCCCCCC-3'
Protein context (NP_001449.3, residues 536-556): EYYPVVPGKY[Val546Met]VTITWGGYAI

ClinVar aggregate classification (germline): Uncertain significance (1 of 4 stars; one submission).

Conditions:
Cardiovascular phenotype. Identifiers: MedGen CN230736.

Submission:

Ambry Genetics
Classification: Uncertain significance for Cardiovascular phenotype. Last evaluated: 2025-06-15. Review status: criteria provided, single submitter. Criteria: Ambry Variant Classification Scheme 2023. Collection method: clinical testing. Allele origin: germline.
Comment: The p.V546M variant (also known as c.1636G>A), located in coding exon 10 of the FLNC gene, results from a G to A substitution at nucleotide position 1636. The valine at codon 546 is replaced by methionine, an amino acid with highly similar properties. This amino acid position is conserved. In addition, this alteration is predicted to be tolerated by in silico analysis. Based on the available evidence, the clinical significance of this variant remains unclear.